The following is an entry in ClinVar:

ClinVar aggregate classification (germline): Uncertain significance (1 of 4 stars; one submission).

Submission:

Dasa
Classification: Uncertain significance. Last evaluated: 2025-11-25. Review status: criteria provided, single submitter. Criteria: DASA Assertion Criteria. Collection method: clinical testing. Allele origin: germline.
Comment: NM_024721.5(ZFHX4):c.5156del (p.Leu1719Cysfs*6) is a frameshift variant in ZFHX4 predicted to alter the reading frame and introduce a premature termination codon and is predicted to result in an absent or altered protein product. Loss of function is an established disease mechanism for ZFHX4 (PMID: 39148819; PMID: 37434517; PMID: 24038936). Published studies describe this variant in association with related phenotype (PMID: 34461323; PMID: 39148819; PMID: 40367947). Also, this variant is absent from population databases. The currently available literature and clinical evidence are not sufficient to establish a definitive association between this variant and the reported condition. Therefore, this variant is classified as a variant of uncertain significance.

Literature cited by the submitters: PubMed 34461323; PubMed 39148819; PubMed 40367947; PubMed 37434517; PubMed 24038936.

NM_024721.5(ZFHX4):c.5156del (p.Leu1719fs)

Gene: ZFHX4 (zinc finger homeobox 4; plus strand). Cytogenetic location: 8q21.13.
Variant type: Deletion.
Coding change: c.5156del on transcript NM_024721.5 (MANE Select); coding-DNA position 5156, one base deleted (T; older notation c.5156delT).
Protein change: p.Leu1719fs; shifts the reading frame from leucine 1719.
Molecular consequence: frameshift variant.
Genome position (GRCh38, 1-based): chr8:76,852,077, T deleted; the last of 5 consecutive T bases (chr8:76,852,073-76,852,077); deleting any one gives the same sequence. VCF-style (leftmost placement, unchanged base first): chr8-76852072-CT-C. GRCh37 (hg19) VCF-style: chr8-77764308-CT-C.
Other names: c.5078del, p.Leu1693fs (NM_001410934.1); short protein forms L1693fs, L1719fs.
Identifiers: ClinVar variation 4886256 (VCV004886256.2).